The following is an entry in ClinVar:

ClinVar aggregate classification (germline): Uncertain significance (1 of 4 stars; one submission).

Submission:

GeneDx
Classification: Uncertain significance. Last evaluated: 2025-07-28. Review status: criteria provided, single submitter. Criteria: GeneDx Variant Classification Process June 2021. Collection method: clinical testing. Allele origin: germline. Affected: yes.
Comment: Not observed at significant frequency in large population cohorts (gnomAD); In silico analysis supports that this missense variant has a deleterious effect on protein structure/function; Has not been previously published as pathogenic or benign to our knowledge

NM_000719.7(CACNA1C):c.3053T>G (p.Val1018Gly)

Gene: CACNA1C (calcium voltage-gated channel subunit alpha1 C; plus strand). Cytogenetic location: 12p13.33.
Variant type: single nucleotide variant.
Coding change: c.3053T>G on transcript NM_000719.7 (MANE Select); coding-DNA position 3053, T replaced by G.
Protein change: p.Val1018Gly; replaces valine 1018 with glycine.
Molecular consequence: missense variant.
Genome position (GRCh38, 1-based): chr12:2,605,683, T>G. VCF-style: chr12-2605683-T-G. GRCh37 (hg19) VCF-style: chr12-2714849-T-G.
Other names: c.3113T>G, p.Val1038Gly (NM_001129827.2, NM_001129832.2, NM_199460.4); c.3053T>G, p.Val1018Gly (NM_001129829.2, NM_001129830.3, NM_001129831.2 and 15 more transcripts); c.3044T>G, p.Val1015Gly (NM_001129844.2); short protein forms V1015G, V1018G, V1038G.
Identifiers: ClinVar variation 4690008 (VCV004690008.1).